The following is an entry in ClinVar:

NM_000059.4(BRCA2):c.1880C>G (p.Ala627Gly)

Gene: BRCA2 (BRCA2 DNA repair associated; plus strand). Cytogenetic location: 13q13.1.
Variant type: single nucleotide variant.
Coding change: c.1880C>G on transcript NM_000059.4 (MANE Select); coding-DNA position 1880, C replaced by G.
Protein change: p.Ala627Gly; replaces alanine 627 with glycine.
Molecular consequence: missense variant.
Genome position (GRCh38, 1-based): chr13:32,333,358, C>G. VCF-style: chr13-32333358-C-G. GRCh37 (hg19) VCF-style: chr13-32907495-C-G.
Other names: short protein forms A627G.
Identifiers: ClinVar variation 186698 (VCV000186698.16), dbSNP rs587782055, ClinGen allele CA013695.

ClinVar aggregate classification (germline): Conflicting classifications of pathogenicity. Review status: criteria provided, conflicting classifications (1 of 4 stars). 3 submissions from 3 submitters: Uncertain significance (2); Likely benign (1). Last evaluated 2025-10-23.

Conditions:
Hereditary cancer-predisposing syndrome. Also called: Neoplastic Syndromes, Hereditary; Tumor predisposition; Hereditary Cancer Syndrome; Hereditary neoplastic syndrome. Identifiers: Orphanet 140162, MedGen C0027672, MeSH D009386, MONDO:0015356.
Hereditary breast ovarian cancer syndrome. Also called: Hereditary breast and ovarian cancer; Hereditary breast and/or ovarian cancer syndrome; BRCA1- and BRCA2-Associated Hereditary Breast and Ovarian Cancer; Hereditary breast and ovarian cancer syndrome (HBOC); Hereditary breast and ovarian cancer syndrome; Breast and ovarian cancer. Identifiers: Orphanet 145, MedGen C0677776, MeSH D061325, MONDO:0003582. Disease mechanism: loss of function.

Submissions (3):

Ambry Genetics
Classification: Uncertain significance for Hereditary cancer-predisposing syndrome. Last evaluated: 2025-10-23. Review status: criteria provided, single submitter. Criteria: Ambry Variant Classification Scheme 2023. Collection method: clinical testing. Allele origin: germline.
Comment: The p.A627G variant (also known as c.1880C>G), located in coding exon 9 of the BRCA2 gene, results from a C to G substitution at nucleotide position 1880. The alanine at codon 627 is replaced by glycine, an amino acid with similar properties. This amino acid position is poorly conserved in available vertebrate species. In addition, this alteration is predicted to be tolerated by in silico analysis. Since supporting evidence is limited at this time, the clinical significance of this alteration remains unclear.

University of Washington Department of Laboratory Medicine, University of Washington
Classification: Likely benign for Hereditary cancer-predisposing syndrome. Last evaluated: 2023-03-23. Review status: criteria provided, single submitter. Criteria: Dines et al. (Genet Med. 2020). Collection method: curation. Allele origin: germline.
Comment: Missense variant in a coldspot region where missense variants are very unlikely to be pathogenic (PMID:31911673).

BRCA2 exon 10 coldspot. Reclassification based on statistical prior probability.

Labcorp Genetics (formerly Invitae), Labcorp
Classification: Uncertain significance for Hereditary breast ovarian cancer syndrome. Last evaluated: 2020-08-30. Review status: criteria provided, single submitter. Criteria: Invitae Variant Classification Sherloc (09022015). Collection method: clinical testing. Allele origin: germline.
Comment: In summary, the available evidence is currently insufficient to determine the role of this variant in disease. Therefore, it has been classified as a Variant of Uncertain Significance. Advanced modeling of protein sequence and biophysical properties (such as structural, functional, and spatial information, amino acid conservation, physicochemical variation, residue mobility, and thermodynamic stability) performed at Invitae indicates that this missense variant is not expected to disrupt BRCA2 protein function. This variant has not been reported in the literature in individuals with BRCA2-related conditions. ClinVar contains an entry for this variant (Variation ID: 186698). This variant is not present in population databases (ExAC no frequency). This sequence change replaces alanine with glycine at codon 627 of the BRCA2 protein (p.Ala627Gly). The alanine residue is weakly conserved and there is a small physicochemical difference between alanine and glycine.